The following is an entry in ClinVar:

NC_000011.9:g.(?_22239772)_(22242776_?)del

Gene: ANO5 (anoctamin 5; plus strand). Cytogenetic location: 11p14.3.
Variant type: Deletion.
Identifiers: ClinVar variation 3244652 (VCV003244652.1).

ClinVar aggregate classification (germline): Pathogenic (1 of 4 stars; one submission).

Conditions:
Autosomal recessive limb-girdle muscular dystrophy type 2L (LGMDR12). Also called: Limb-girdle muscular dystrophy, type 2L; MUSCULAR DYSTROPHY, LIMB-GIRDLE, AUTOSOMAL RECESSIVE 12; Limb-Girdle Muscular Dystrophy R12 Anoctamin-5-Related (LGMD-R12). Identifiers: Orphanet 206549, MedGen C1969785, MONDO:0012652, OMIM 611307.
Gnathodiaphyseal dysplasia (GDD). Also called: GNATHODIAPHYSEAL SCLEROSIS; OSTEOGENESIS IMPERFECTA WITH UNUSUAL SKELETAL LESIONS. Identifiers: Orphanet 53697, MedGen C1833736, MONDO:0008151, OMIM 166260.

Submission:

Labcorp Genetics (formerly Invitae), Labcorp
Classification: Pathogenic for Autosomal recessive limb-girdle muscular dystrophy type 2L; Gnathodiaphyseal dysplasia. Last evaluated: 2023-10-04. Review status: criteria provided, single submitter. Criteria: Invitae Variant Classification Sherloc (09022015). Collection method: clinical testing. Allele origin: unknown.
Comment: This variant is a gross deletion of the genomic region encompassing exon(s) 4-5 of the ANO5 gene. This variant would be expected to be in-frame, preserving the integrity of the reading frame. This variant has not been reported in the literature in individuals affected with ANO5-related conditions. This variant disrupts a region of the ANO5 protein in which other variant(s) (p.Arg58Trp) have been determined to be pathogenic (PMID: 23041008, 23607914, 23670307, 27854218). This suggests that this is a clinically significant region of the protein, and that variants that disrupt it are likely to be disease-causing. For these reasons, this variant has been classified as Pathogenic.

Literature cited by the submitters: PubMed 23041008; PubMed 23607914; PubMed 23670307; PubMed 27854218.